The following is an entry in ClinVar:

ClinVar aggregate classification (germline): Uncertain significance (1 of 4 stars; one submission).

Conditions:
Dyskeratosis congenita, autosomal dominant 1 (DKCA1). Also called: Dyskeratosis congenita Scoggins type. Identifiers: Orphanet 1775, MedGen C4551974, MONDO:0007485, OMIM 127550. Inheritance: Variable.

Submission:

Labcorp Genetics (formerly Invitae), Labcorp
Classification: Uncertain significance for Dyskeratosis congenita, autosomal dominant 1. Last evaluated: 2020-09-13. Review status: criteria provided, single submitter. Criteria: Invitae Variant Classification Sherloc (09022015). Collection method: clinical testing. Allele origin: germline.
Comment: This variant occurs in the TERC gene, which encodes an RNA molecule that does not result in a protein product. The frequency data for this variant in the population databases is considered unreliable, as metrics indicate insufficient coverage at this position in the ExAC database. In summary, the available evidence is currently insufficient to determine the role of this variant in disease. Therefore, it has been classified as a Variant of Uncertain Significance. This variant is located within the conserved regions 4 and 5 (CR4-CR5) domain of the TERC RNA component, which is required for telomerase activity (PMID: 15082312, 21844345). Functional studies testing the effect of this variant on TERC secondary structure or function have not been reported. This variant has not been reported in the literature in individuals with TERC-related conditions.

Literature cited by the submitters: PubMed 15082312; PubMed 21844345.

NR_001566.3(TERC):n.247delC

Genes: TERC (telomerase RNA component; minus strand), LOC110806306 (telomerase RNA component (TERC) promoter; plus strand). Cytogenetic location: 3q26.2.
Variant type: Deletion.
Genome position: GRCh38 VCF-style: chr3-169764812-AG-A. GRCh37 (hg19) VCF-style: chr3-169482600-AG-A.
Identifiers: ClinVar variation 1018345 (VCV001018345.9), dbSNP rs1777960875, ClinGen allele CA1419572653.